The following is an entry in ClinVar:

NM_024301.5(FKRP):c.1271A>G (p.Asn424Ser)

Gene: FKRP (fukutin related protein; plus strand). Cytogenetic location: 19q13.32.
Variant type: single nucleotide variant.
Coding change: c.1271A>G on transcript NM_024301.5 (MANE Select); coding-DNA position 1271, A replaced by G.
Protein change: p.Asn424Ser; replaces asparagine 424 with serine.
Molecular consequence: missense variant.
Genome position (GRCh38, 1-based): chr19:46,756,721, A>G. VCF-style: chr19-46756721-A-G. GRCh37 (hg19) VCF-style: chr19-47259978-A-G.
Other names: c.1271A>G, p.Asn424Ser (NM_001039885.3); short protein forms N424S.
Identifiers: ClinVar variation 960132 (VCV000960132.11), dbSNP rs376989573, ClinGen allele CA309099934.
Genomic context (GRCh38, chr19:46,756,721, plus strand): 5'-GCGTGCAGTACAGCGAAAGCAACCACTTGCACGTGGACCTGTGGCCCTTCTACCCCCGCA[A>G]TGGCGTCATGACCAAGGACACGTGGCTGGACCACCGGCAGGATGTGGAGTTTCCCGAGCA-3'
Protein context (NP_077277.1, residues 414-434): HVDLWPFYPR[Asn424Ser]GVMTKDTWLD

ClinVar aggregate classification (germline): Uncertain significance. Review status: criteria provided, multiple submitters, no conflicts (2 of 4 stars). 4 submissions from 4 submitters: Uncertain significance (3). 1 of the submissions does not count toward it. Last evaluated 2022-08-17.

Conditions:
Muscular dystrophy-dystroglycanopathy type B5 (MDDGB5). Also called: MUSCULAR DYSTROPHY-DYSTROGLYCANOPATHY (CONGENITAL WITH OR WITHOUT IMPAIRED INTELLECTUAL DEVELOPMENT), TYPE B, 5; MUSCULAR DYSTROPHY, CONGENITAL, 1C; MUSCULAR DYSTROPHY, CONGENITAL, FKRP-RELATED. Identifiers: MedGen C1847759, MONDO:0011688, OMIM 606612.
Autosomal recessive limb-girdle muscular dystrophy type 2I. Also called: MUSCULAR DYSTROPHY-DYSTROGLYCANOPATHY (LIMB-GIRDLE), TYPE C, 5; MUSCULAR DYSTROPHY, LIMB-GIRDLE, TYPE 2I; MUSCULAR DYSTROPHY-DYSTROGLYCANOPATHY, LIMB-GIRDLE, FRKP-RELATED. Identifiers: Orphanet 34515, MedGen C1846672, MONDO:0011787, OMIM 607155.
Muscular dystrophy-dystroglycanopathy (congenital with brain and eye anomalies), type A1 (MDDGA1). Also called: Muscular dystrophy-dystroglycanopathy (congenital with brain and eye anomalies), type A, 1; WALKER-WARBURG SYNDROME OR MUSCLE-EYE-BRAIN DISEASE, POMT1-RELATED; Hydrocephalus, agyria and retinal dysplasia; Hard +/- E syndrome; Warburg syndrome; Chemke syndrome. Identifiers: Orphanet 588, Orphanet 899, MedGen C4284790, MONDO:0009364, OMIM 236670.
Muscular dystrophy-dystroglycanopathy (congenital with brain and eye anomalies), type A5. Also called: WALKER-WARBURG SYNDROME OR MUSCLE-EYE-BRAIN DISEASE, FKRP-RELATED; MUSCULAR DYSTROPHY-DYSTROGLYCANOPATHY (CONGENITAL WITH BRAIN AND EYE ANOMALIES), TYPE A, 5. Identifiers: Orphanet 588, Orphanet 899, MedGen C3150413, MONDO:0013157, OMIM 613153.
Walker-Warburg congenital muscular dystrophy. Also called: Muscular dystrophy-dystroglycanopathy, type A; Walker-Warburg syndrome. Identifiers: Orphanet 899, MedGen C0265221, MONDO:0000171.
Cardiovascular phenotype. Identifiers: MedGen CN230736.

Allele frequency attached by ClinVar (database versions not stated): gnomAD exomes below 0.00001 and 0.00001; gnomAD 0.00001; TOPMed 0.00001; ESP Exome Variant Server 0.00008.
gnomAD v4.1: 5 of 1,611,590 alleles (0.00031%); highest among the groups gnomAD compares: African/African-American, 0.0053%; no homozygotes.

Submissions (4):

Ambry Genetics
Classification: Uncertain significance for Cardiovascular phenotype. Last evaluated: 2022-08-17. Review status: criteria provided, single submitter. Criteria: Ambry Variant Classification Scheme 2023. Collection method: clinical testing. Allele origin: germline.

Labcorp Genetics (formerly Invitae), Labcorp
Classification: Uncertain significance for Walker-Warburg congenital muscular dystrophy. Last evaluated: 2022-07-01. Review status: criteria provided, single submitter. Criteria: Invitae Variant Classification Sherloc (09022015). Collection method: clinical testing. Allele origin: germline.
Comment: This sequence change replaces asparagine, which is neutral and polar, with serine, which is neutral and polar, at codon 424 of the FKRP protein (p.Asn424Ser). This variant is present in population databases (rs376989573, gnomAD 0.01%). This variant has not been reported in the literature in individuals affected with FKRP-related conditions. ClinVar contains an entry for this variant (Variation ID: 960132). Algorithms developed to predict the effect of missense changes on protein structure and function are either unavailable or do not agree on the potential impact of this missense change (SIFT: "Tolerated"; PolyPhen-2: "Possibly Damaging"; Align-GVGD: "Class C0"). Algorithms developed to predict the effect of sequence changes on RNA splicing suggest that this variant may create or strengthen a splice site. In summary, the available evidence is currently insufficient to determine the role of this variant in disease. Therefore, it has been classified as a Variant of Uncertain Significance.

Fulgent Genetics
Classification: Uncertain significance for Muscular dystrophy-dystroglycanopathy (congenital with brain and eye anomalies), type A1; Muscular dystrophy-dystroglycanopathy type B5; Autosomal recessive limb-girdle muscular dystrophy type 2I; Muscular dystrophy-dystroglycanopathy (congenital with brain and eye anomalies), type A5. Last evaluated: 2021-09-07. Review status: criteria provided, single submitter. Criteria: ACMG Guidelines, 2015. Collection method: clinical testing. Allele origin: unknown.

Natera, Inc.
Classification: Uncertain significance for Limb-girdle muscular dystrophy type 2I. Last evaluated: 2021-09-13. Review status: no assertion criteria provided. Collection method: clinical testing. Allele origin: germline. Not counted in ClinVar's aggregate classification.